The following is an entry in ClinVar:

ClinVar aggregate classification (germline): Uncertain significance. Review status: criteria provided, multiple submitters, no conflicts (2 of 4 stars). 2 submissions from 2 submitters: Uncertain significance (2). Last evaluated 2024-11-22.

Allele frequency attached by ClinVar (database versions not stated): gnomAD exomes below 0.00001; TOPMed below 0.00001.
gnomAD v4.1: 4 of 1,608,212 alleles (0.00025%); highest among the groups gnomAD compares: Middle Eastern, 0.017%; no homozygotes.

Submissions (2):

GeneDx
Classification: Uncertain significance. Last evaluated: 2024-11-22. Review status: criteria provided, single submitter. Criteria: GeneDx Variant Classification Process June 2021. Collection method: clinical testing. Allele origin: germline. Affected: yes.
Comment: Not observed at significant frequency in large population cohorts (gnomAD); In silico analysis supports a deleterious effect on splicing; Has not been previously published as pathogenic or benign to our knowledge

Labcorp Genetics (formerly Invitae), Labcorp
Classification: Uncertain significance. Last evaluated: 2022-09-19. Review status: criteria provided, single submitter. Criteria: Invitae Variant Classification Sherloc (09022015). Collection method: clinical testing. Allele origin: germline.
Comment: This sequence change falls in intron 6 of the ABCA4 gene. It does not directly change the encoded amino acid sequence of the ABCA4 protein. This variant is not present in population databases (gnomAD no frequency). This variant has not been reported in the literature in individuals affected with ABCA4-related conditions. ClinVar contains an entry for this variant (Variation ID: 1488668). Algorithms developed to predict the effect of sequence changes on RNA splicing suggest that this variant may disrupt the consensus splice site. In summary, the available evidence is currently insufficient to determine the role of this variant in disease. Therefore, it has been classified as a Variant of Uncertain Significance.

NM_000350.3(ABCA4):c.769-7A>G

Gene: ABCA4 (ATP binding cassette subfamily A member 4; minus strand). Cytogenetic location: 1p22.1.
Variant type: single nucleotide variant.
Coding change: c.769-7A>G on transcript NM_000350.3 (MANE Select); 7 bases into the intron before coding-DNA position 769, A replaced by G.
Molecular consequence: intron variant.
Genome position (GRCh38, 1-based): chr1:94,083,448, T>C on the plus strand (A>G on the coding strand, the complement: ABCA4 is on the minus strand). VCF-style: chr1-94083448-T-C. GRCh37 (hg19) VCF-style: chr1-94549004-T-C.
Identifiers: ClinVar variation 1488668 (VCV001488668.6), dbSNP rs1661754905, ClinGen allele CA1181436453.